The following is an entry in ClinVar:

ClinVar aggregate classification (germline): Uncertain significance. Review status: criteria provided, multiple submitters, no conflicts (2 of 4 stars). 2 submissions from 2 submitters: Uncertain significance (2). Last evaluated 2025-07-21.

Conditions:
Bethlem myopathy 1A. Also called: MYOPATHY, BENIGN CONGENITAL, WITH CONTRACTURES; Bethlem myopathy 1; Bethlem Muscular Dystrophy. Identifiers: Orphanet 610, MedGen CN029274, MONDO:0024530, OMIM 158810.

Allele frequency attached by ClinVar (database versions not stated): gnomAD exomes below 0.00001.
gnomAD v4.1: 1 of 1,613,450 alleles (0.000062%); highest among the groups gnomAD compares: Non-Finnish European, 0.000085%; no homozygotes.

Submissions (2):

Labcorp Genetics (formerly Invitae), Labcorp
Classification: Uncertain significance for Bethlem myopathy 1A. Last evaluated: 2025-07-21. Review status: criteria provided, single submitter. Criteria: Invitae Variant Classification Sherloc (09022015). Collection method: clinical testing. Allele origin: germline.
Comment: This sequence change replaces serine, which is neutral and polar, with asparagine, which is neutral and polar, at codon 1392 of the COL6A3 protein (p.Ser1392Asn). The frequency data for this variant in the population databases is considered unreliable, as metrics indicate poor data quality at this position in the gnomAD database. This variant has not been reported in the literature in individuals affected with COL6A3-related conditions. ClinVar contains an entry for this variant (Variation ID: 2440467). Invitae Evidence Modeling of protein sequence and biophysical properties (such as structural, functional, and spatial information, amino acid conservation, physicochemical variation, residue mobility, and thermodynamic stability) indicates that this missense variant is not expected to disrupt COL6A3 protein function with a negative predictive value of 80%. In summary, the available evidence is currently insufficient to determine the role of this variant in disease. Therefore, it has been classified as a Variant of Uncertain Significance.

Revvity Omics, Revvity
Classification: Uncertain significance. Last evaluated: 2021-11-01. Review status: criteria provided, single submitter. Criteria: ACMG Guidelines, 2015. Collection method: clinical testing. Allele origin: germline.

NM_004369.4(COL6A3):c.4175G>A (p.Ser1392Asn)

Gene: COL6A3 (collagen type VI alpha 3 chain; minus strand). Cytogenetic location: 2q37.3.
Variant type: single nucleotide variant.
Coding change: c.4175G>A on transcript NM_004369.4 (MANE Select); coding-DNA position 4175, G replaced by A.
Protein change: p.Ser1392Asn; replaces serine 1392 with asparagine.
Molecular consequence: missense variant.
Genome position (GRCh38, 1-based): chr2:237,371,842, C>T on the plus strand (G>A on the coding strand, the complement: COL6A3 is on the minus strand). VCF-style: chr2-237371842-C-T. GRCh37 (hg19) VCF-style: chr2-238280485-C-T.
Other names: c.2954G>A, p.Ser985Asn (NM_057164.5); c.3557G>A, p.Ser1186Asn (NM_057165.5, NM_057167.4); c.2354G>A, p.Ser785Asn (NM_057166.5); short protein forms S1186N, S1392N, S785N, S985N.
Identifiers: ClinVar variation 2440467 (VCV002440467.5), dbSNP rs1174544680, ClinGen allele CA351196664.
Genomic context (GRCh38, chr2:237,371,842, plus strand): 5'-GTCAGGGTCGTGATGGGCGTCAGCAGTTTCTGCTCCAGGCTGGGCAGCTCCCGGAAGGTG[C>T]TCACCGAGAACACATATTCGGGGCTCAGCGAGATCTTCACCAGCTCCTCCTGGTCTGCGT-3'
Protein context (NP_004360.2, residues 1382-1402): SLSPEYVFSV[Ser1392Asn]TFRELPSLEQ